The following is an entry in ClinVar:

NM_017649.5(CNNM2):c.2167+20G>A

Gene: CNNM2 (cyclin and CBS domain divalent metal cation transport mediator 2; plus strand). Cytogenetic location: 10q24.32.
Variant type: single nucleotide variant.
Coding change: c.2167+20G>A on transcript NM_017649.5 (MANE Select); 20 bases into the intron after coding-DNA position 2167, G replaced by A.
Molecular consequence: intron variant.
Genome position (GRCh38, 1-based): chr10:103,068,742, G>A. VCF-style: chr10-103068742-G-A. GRCh37 (hg19) VCF-style: chr10-104828499-G-A.
Other names: c.2167+20G>A (NM_199076.3).
Identifiers: ClinVar variation 4687167 (VCV004687167.1).
Genomic context (GRCh38, chr10:103,068,742, plus strand): 5'-CTTCTCATACTATGGCGTGATGGCCCTGACAGCCTCTCCAGGTATGTTTGGTTCCCAGCC[G>A]CATAGGGCAGGACCACGTGTTAGGAAGTAAGGCCCCTCTCCTTTCATCTTGCTTTCTGTA-3'

ClinVar aggregate classification (germline): Likely benign (1 of 4 stars; one submission).

Submission:

Women's Health and Genetics/Laboratory Corporation of America, LabCorp
Classification: Likely benign. Last evaluated: 2025-10-20. Review status: criteria provided, single submitter. Criteria: LabCorp Variant Classification Summary - May 2015. Collection method: clinical testing. Allele origin: germline.
Comment: Variant summary: CNNM2 c.2167+20G>A alters a non-conserved nucleotide located at a position not widely known to affect splicing. Consensus agreement among computation tools predict no significant impact on normal splicing. However, these predictions have yet to be confirmed by functional studies. The variant allele was found at a frequency of 1.7e-05 in 231868 control chromosomes. The available data on variant occurrences in the general population are insufficient to allow any conclusion about variant significance. To our knowledge, no occurrence of c.2167+20G>A in individuals affected with CNNM2-related conditions and no experimental evidence demonstrating its impact on protein function have been reported. No submitters have cited clinical-significance assessments for this variant to ClinVar. Based on the evidence outlined above, the variant was classified as likely benign.